The following is an entry in ClinVar:

ClinVar aggregate classification (germline): Uncertain significance (1 of 4 stars; one submission).

Submission:

Labcorp Genetics (formerly Invitae), Labcorp
Classification: Uncertain significance. Last evaluated: 2024-05-08. Review status: criteria provided, single submitter. Criteria: Invitae Variant Classification Sherloc (09022015). Collection method: clinical testing. Allele origin: germline.
Comment: This sequence change creates a premature translational stop signal (p.Cys471Serfs*6) in the RNF43 gene. It is expected to result in an absent or disrupted protein product. However, the current clinical and genetic evidence is not sufficient to establish whether loss-of-function variants in RNF43 cause disease. This variant is not present in population databases (gnomAD no frequency). This variant has not been reported in the literature in individuals affected with RNF43-related conditions. ClinVar contains an entry for this variant (Variation ID: 2007312). In summary, the available evidence is currently insufficient to determine the role of this variant in disease. Therefore, it has been classified as a Variant of Uncertain Significance.

NM_017763.6(RNF43):c.1410_1411del (p.Cys471fs)

Gene: RNF43 (ring finger protein 43; minus strand). Cytogenetic location: 17q22.
Variant type: Deletion.
Coding change: c.1410_1411del on transcript NM_017763.6 (MANE Select); coding-DNA positions 1410 to 1411, 2 bases deleted (CT; older notation c.1410_1411delCT).
Protein change: p.Cys471fs; shifts the reading frame from cysteine 471.
Molecular consequence: frameshift variant.
Genome position (GRCh38, 1-based): chr17:58,358,365-58,358,366, AG deleted on the plus strand (CT on the coding strand, the reverse complement: RNF43 is on the minus strand). VCF-style (leftmost placement, unchanged base first): chr17-58358364-CAG-C. GRCh37 (hg19) VCF-style: chr17-56435725-CAG-C.
Other names: c.1410_1411delCT, p.Cys471Serfs (NM_001305544.3); c.1029_1030delCT, p.Cys344Serfs (NM_001305545.2); short protein forms C344fs, C471fs.
Identifiers: ClinVar variation 2007312 (VCV002007312.4), dbSNP rs2509346681, ClinGen allele CA645574380.